The following is an entry in ClinVar:

NM_004588.5(SCN2B):c.419G>A (p.Gly140Asp)

Gene: SCN2B (sodium voltage-gated channel beta subunit 2; minus strand). Cytogenetic location: 11q23.3.
Variant type: single nucleotide variant.
Coding change: c.419G>A on transcript NM_004588.5 (MANE Select); coding-DNA position 419, G replaced by A.
Protein change: p.Gly140Asp; replaces glycine 140 with aspartic acid.
Molecular consequence: missense variant.
Genome position (GRCh38, 1-based): chr11:118,168,114, C>T on the plus strand (G>A on the coding strand, the complement: SCN2B is on the minus strand). VCF-style: chr11-118168114-C-T. GRCh37 (hg19) VCF-style: chr11-118038829-C-T.
Other names: short protein forms G140D.
Identifiers: ClinVar variation 2841250 (VCV002841250.3), dbSNP rs1193036142, ClinGen allele CA382784521.

ClinVar aggregate classification (germline): Uncertain significance (1 of 4 stars; one submission).

Conditions:
Atrial fibrillation, familial, 14 (ATFB14). Identifiers: MedGen C3809312, MONDO:0014156, OMIM 615378.

Submission:

Labcorp Genetics (formerly Invitae), Labcorp
Classification: Uncertain significance for Atrial fibrillation, familial, 14. Last evaluated: 2023-02-27. Review status: criteria provided, single submitter. Criteria: Invitae Variant Classification Sherloc (09022015). Collection method: clinical testing. Allele origin: germline.
Comment: This variant has not been reported in the literature in individuals affected with SCN2B-related conditions. An algorithm developed to predict the effect of missense changes on protein structure and function (PolyPhen-2) suggests that this variant is likely to be disruptive. In summary, the available evidence is currently insufficient to determine the role of this variant in disease. Therefore, it has been classified as a Variant of Uncertain Significance. This variant is not present in population databases (gnomAD no frequency). This sequence change replaces glycine, which is neutral and non-polar, with aspartic acid, which is acidic and polar, at codon 140 of the SCN2B protein (p.Gly140Asp).